The following is an entry in ClinVar:

ClinVar aggregate classification (germline): Uncertain significance (1 of 4 stars; one submission).

Conditions:
Granulomatous disease, chronic, X-linked. Also called: CYTOCHROME b-NEGATIVE GRANULOMATOUS DISEASE, CHRONIC, X-LINKED; GRANULOMATOUS DISEASE, CHRONIC, X-LINKED, SOMATIC MOSAIC. Identifiers: Orphanet 379, MedGen C1844376, MONDO:0010600, OMIM 306400.

Allele frequency attached by ClinVar (database versions not stated): gnomAD exomes below 0.00001; TOPMed below 0.00001; gnomAD 0.00002.
gnomAD v4.1: 3 of 1,206,509 alleles (0.00025%); highest among the groups gnomAD compares: African/African-American, 0.0053%; no homozygotes.

Submission:

Labcorp Genetics (formerly Invitae), Labcorp
Classification: Uncertain significance for Granulomatous disease, chronic, X-linked. Last evaluated: 2022-03-03. Review status: criteria provided, single submitter. Criteria: Invitae Variant Classification Sherloc (09022015). Collection method: clinical testing. Allele origin: germline.
Comment: This sequence change replaces tyrosine, which is neutral and polar, with cysteine, which is neutral and slightly polar, at codon 152 of the CYBB protein (p.Tyr152Cys). This variant is not present in population databases (gnomAD no frequency). This variant has not been reported in the literature in individuals affected with CYBB-related conditions. ClinVar contains an entry for this variant (Variation ID: 574537). Advanced modeling of protein sequence and biophysical properties (such as structural, functional, and spatial information, amino acid conservation, physicochemical variation, residue mobility, and thermodynamic stability) performed at Invitae indicates that this missense variant is expected to disrupt CYBB protein function. In summary, the available evidence is currently insufficient to determine the role of this variant in disease. Therefore, it has been classified as a Variant of Uncertain Significance.

NM_000397.4(CYBB):c.455A>G (p.Tyr152Cys)

Gene: CYBB (cytochrome b-245 beta chain; plus strand). Cytogenetic location: Xp21.1.
Variant type: single nucleotide variant.
Coding change: c.455A>G on transcript NM_000397.4 (MANE Select); coding-DNA position 455, A replaced by G.
Protein change: p.Tyr152Cys; replaces tyrosine 152 with cysteine.
Molecular consequence: missense variant.
Genome position (GRCh38, 1-based): chrX:37,793,782, A>G. VCF-style: chrX-37793782-A-G. GRCh37 (hg19) VCF-style: chrX-37653035-A-G.
Other names: short protein forms Y152C.
Identifiers: ClinVar variation 574537 (VCV000574537.6), dbSNP rs1569479293, ClinGen allele CA412975488.